The following is an entry in ClinVar:

ClinVar aggregate classification (germline): Likely benign (1 of 4 stars; one submission).

Allele frequency attached by ClinVar (database versions not stated): 1000 Genomes Project 0.00120; 1000 Genomes Project 30x 0.00141; ExAC 0.00319; gnomAD 0.00327; ESP Exome Variant Server 0.00331; TOPMed 0.00341; gnomAD exomes 0.00647.
gnomAD v4.1: 9,886 of 1,614,224 alleles (0.61%); highest among the groups gnomAD compares: Non-Finnish European, 0.78%; 45 homozygotes.

Submission:

CeGaT Center for Human Genetics Tuebingen
Classification: Likely benign. Last evaluated: 2023-07-01. Review status: criteria provided, single submitter. Criteria: CeGaT Center For Human Genetics Tuebingen Variant Classification Criteria Version 2. Collection method: clinical testing. Allele origin: germline. Affected: yes. Observed: 1 variant allele.
Comment: TSPYL5: BP4, BP7, BS2

NM_033512.3(TSPYL5):c.819A>G (p.Val273=)

Genes: TSPYL5 (TSPY like 5; minus strand), LOC101927066 (uncharacterized LOC101927066; minus strand). Cytogenetic location: 8q22.1.
Variant type: single nucleotide variant.
Coding change: c.819A>G on transcript NM_033512.3 (MANE Select); coding-DNA position 819, A replaced by G.
Protein change: p.Val273=; no amino-acid change (valine 273 retained).
Molecular consequence: synonymous variant.
Genome position (GRCh38, 1-based): chr8:97,277,026, T>C on the plus strand (A>G on the coding strand, the complement: TSPYL5 is on the minus strand). VCF-style: chr8-97277026-T-C. GRCh37 (hg19) VCF-style: chr8-98289254-T-C.
Identifiers: ClinVar variation 2658701 (VCV002658701.24), dbSNP rs146046752, ClinGen allele CA4817568.